The following is an entry in ClinVar:

NM_001017420.3(ESCO2):c.1007C>A (p.Ser336Ter)

Gene: ESCO2 (establishment of sister chromatid cohesion N-acetyltransferase 2; plus strand). Cytogenetic location: 8p21.1.
Variant type: single nucleotide variant.
Coding change: c.1007C>A on transcript NM_001017420.3 (MANE Select); coding-DNA position 1007, C replaced by A.
Protein change: p.Ser336Ter; replaces serine 336 with a stop codon.
Molecular consequence: nonsense.
Genome position (GRCh38, 1-based): chr8:27,784,051, C>A. VCF-style: chr8-27784051-C-A. GRCh37 (hg19) VCF-style: chr8-27641568-C-A.
Other names: short protein forms S336*.
Identifiers: ClinVar variation 2052779 (VCV002052779.4), dbSNP rs1310380278, ClinGen allele CA370822232.
Genomic context (GRCh38, chr8:27,784,051, plus strand): 5'-CCCTACCAGTTTCTCCTAAGTCCACTGTCTATCCAATCTTCAGTGCATCTTCAGTCAATT[C>A]AAAAAGGTGAGAATTGTTATTGTTTTAAAGTCCAAGCCTTGTAAATTATACAGTTCCTCT-3'

ClinVar aggregate classification (germline): Pathogenic (1 of 4 stars; one submission).

gnomAD v4.1: 1 of 1,613,128 alleles (0.000062%); highest among the groups gnomAD compares: East Asian, 0.0022%; no homozygotes.

Submission:

Labcorp Genetics (formerly Invitae), Labcorp
Classification: Pathogenic. Last evaluated: 2021-12-29. Review status: criteria provided, single submitter. Criteria: Invitae Variant Classification Sherloc (09022015). Collection method: clinical testing. Allele origin: germline.
Comment: For these reasons, this variant has been classified as Pathogenic. This sequence change creates a premature translational stop signal (p.Ser336*) in the ESCO2 gene. It is expected to result in an absent or disrupted protein product. Loss-of-function variants in ESCO2 are known to be pathogenic (PMID: 15821733, 16380922). This variant is present in population databases (no rsID available, gnomAD 0.006%). This variant has not been reported in the literature in individuals affected with ESCO2-related conditions.

Literature cited by the submitters: PubMed 15821733; PubMed 16380922.